The following is an entry in ClinVar:

ClinVar aggregate classification (germline): Uncertain significance (1 of 4 stars; one submission).

Conditions:
DICER1-related tumor predisposition. Also called: DICER1 syndrome; DICER1-related pleuropulmonary blastoma cancer predisposition syndrome. Identifiers: Orphanet 284343, MedGen C3839822, MONDO:0100216.

Submission:

Labcorp Genetics (formerly Invitae), Labcorp
Classification: Uncertain significance for DICER1-related tumor predisposition. Last evaluated: 2022-09-01. Review status: criteria provided, single submitter. Criteria: Invitae Variant Classification Sherloc (09022015). Collection method: clinical testing. Allele origin: germline.
Comment: In summary, the available evidence is currently insufficient to determine the role of this variant in disease. Therefore, it has been classified as a Variant of Uncertain Significance. Algorithms developed to predict the effect of missense changes on protein structure and function (SIFT, PolyPhen-2, Align-GVGD) all suggest that this variant is likely to be disruptive. ClinVar contains an entry for this variant (Variation ID: 1022348). This variant has not been reported in the literature in individuals affected with DICER1-related conditions. This variant is not present in population databases (gnomAD no frequency). This sequence change replaces glycine, which is neutral and non-polar, with arginine, which is basic and polar, at codon 1575 of the DICER1 protein (p.Gly1575Arg).

NM_177438.3(DICER1):c.4723G>A (p.Gly1575Arg)

Gene: DICER1 (dicer 1, ribonuclease III; minus strand). Cytogenetic location: 14q32.13.
Variant type: single nucleotide variant.
Coding change: c.4723G>A on transcript NM_177438.3 (MANE Select); coding-DNA position 4723, G replaced by A.
Protein change: p.Gly1575Arg; replaces glycine 1575 with arginine.
Molecular consequence: missense variant.
Genome position (GRCh38, 1-based): chr14:95,096,197, C>T on the plus strand (G>A on the coding strand, the complement: DICER1 is on the minus strand). VCF-style: chr14-95096197-C-T. GRCh37 (hg19) VCF-style: chr14-95562534-C-T.
Other names: c.4723G>A, p.Gly1575Arg (NM_001195573.1, NM_001271282.3, NM_001291628.2 and 1 more transcripts); short protein forms G1575R.
Identifiers: ClinVar variation 1022348 (VCV001022348.11), dbSNP rs1060503609, ClinGen allele CA390867441.